The following is an entry in ClinVar:

NC_000002.11:g.(?_48010367)_(48034005_?)dup

Genes: MSH6 (mutS homolog 6; plus strand), LOC129933707 (ATAC-STARR-seq lymphoblastoid silent region 11468; plus strand), LOC129933708 (ATAC-STARR-seq lymphoblastoid silent region 11469; plus strand). Cytogenetic location: 2p16.3.
Variant type: Duplication.
Identifiers: ClinVar variation 525998 (VCV000525998.1).

ClinVar aggregate classification (germline): Uncertain significance (1 of 4 stars; one submission).

Conditions:
Hereditary nonpolyposis colorectal neoplasms. Identifiers: MedGen C0009405, MeSH D003123.

Submission:

Labcorp Genetics (formerly Invitae), Labcorp
Classification: Uncertain significance for Hereditary nonpolyposis colorectal neoplasms. Last evaluated: 2017-09-05. Review status: criteria provided, single submitter. Criteria: Invitae Variant Classification Sherloc (09022015). Collection method: clinical testing. Allele origin: germline.
Comment: A gross duplication of the genomic region encompassing the full coding sequence of the MSH6 gene has been identified. The boundaries of this event are unknown as the duplication extends beyond the assayed region for this gene and therefore may encompass additional genes. As the precise location of this duplication is unknown, it may be in tandem or it may be located elsewhere in the genome. Duplications of the entire MSH6 sequence have not been reported in the literature in individuals with a MSH6-related disease. In summary, the exact genomic location of this variant is unknown and the impact of this duplication on MSH6 protein function has not been established. Therefore, it has been classified as a Variant of Unknown Significance.